The following is an entry in ClinVar:

ClinVar aggregate classification (germline): Benign/Likely benign. Review status: criteria provided, multiple submitters, no conflicts (2 of 4 stars). 9 submissions from 9 submitters: Benign (5); Likely benign (3). 1 of the submissions does not count toward it. Last evaluated 2026-02-04.

Conditions:
Nemaline myopathy 2 (NEM2). Also called: Nemaline myopathy 2, autosomal recessive. Identifiers: MedGen C1850569, MONDO:0009725, OMIM 256030.

Allele frequency attached by ClinVar (database versions not stated): gnomAD 0.01367 and 0.01277; TOPMed 0.01416; ESP Exome Variant Server 0.01438; 1000 Genomes Project 0.01597; 1000 Genomes Project 30x 0.01671; ExAC 0.00447; gnomAD exomes 0.00351.
gnomAD v4.1: 4,063 of 1,612,994 alleles (0.25%); highest among the groups gnomAD compares: African/African-American, 4.6%; 91 homozygotes.

Submissions (9):

Labcorp Genetics (formerly Invitae), Labcorp
Classification: Benign for Nemaline myopathy 2. Last evaluated: 2026-02-04. Review status: criteria provided, single submitter. Criteria: Invitae Variant Classification Sherloc (09022015). Collection method: clinical testing. Allele origin: germline.

Athena Diagnostics
Classification: Benign. Last evaluated: 2025-11-06. Review status: criteria provided, single submitter. Criteria: Athena Diagnostics Criteria. Collection method: clinical testing. Allele origin: unknown.
Comment: The frequency of this variant in the general population is higher than would generally be expected for pathogenic variants in this gene. Computational tools yielded predictions that this variant is unlikely to have an effect on normal RNA splicing. This nucleotide position exhibits low evolutionary conservation.

Women's Health and Genetics/Laboratory Corporation of America, LabCorp
Classification: Likely benign. Last evaluated: 2023-03-19. Review status: criteria provided, single submitter. Criteria: LabCorp Variant Classification Summary - May 2015. Collection method: clinical testing. Allele origin: germline.

Illumina Laboratory Services, Illumina
Classification: Likely benign for Nemaline myopathy 2. Last evaluated: 2017-04-27. Review status: criteria provided, single submitter. Criteria: ICSL Variant Classification Criteria 13 December 2019. Collection method: clinical testing. Allele origin: germline.
Comment: This variant was observed as part of a predisposition screen in an ostensibly healthy population. A literature search was performed for the gene, cDNA change, and amino acid change (where applicable). No publications were found based on this search. Allele frequency data from public databases allowed determination this variant is unlikely to cause disease. Therefore, this variant is classified as likely benign.

GeneDx
Classification: Benign. Last evaluated: 2016-03-24. Review status: criteria provided, single submitter. Criteria: GeneDx Variant Classification (06012015). Collection method: clinical testing. Allele origin: germline. Affected: yes.
Comment: This variant is considered likely benign or benign based on one or more of the following criteria: it is a conservative change, it occurs at a poorly conserved position in the protein, it is predicted to be benign by multiple in silico algorithms, and/or has population frequency not consistent with disease.

Eurofins Ntd Llc (ga)
Classification: Benign. Last evaluated: 2013-03-11. Review status: criteria provided, single submitter. Criteria: EGL Classification Definitions 2015. Collection method: clinical testing. Allele origin: germline. Observed: 2 variant alleles, 2 heterozygotes.

Breakthrough Genomics
Classification: Likely benign. Review status: criteria provided, single submitter. Criteria: ACMG Guidelines, 2015. Collection method: not provided. Allele origin: germline. Inheritance: Autosomal recessive inheritance. Affected: yes.

PreventionGenetics, part of Exact Sciences
Classification: Benign. Review status: criteria provided, single submitter. Criteria: ACMG Guidelines, 2015. Collection method: clinical testing. Allele origin: germline.

Natera, Inc.
Classification: Benign for Nemaline myopathy type 2. Last evaluated: 2020-09-16. Review status: no assertion criteria provided. Collection method: clinical testing. Allele origin: germline. Not counted in ClinVar's aggregate classification.

NM_001164508.2(NEB):c.195G>A (p.Pro65=)

Gene: NEB (nebulin; minus strand). Cytogenetic location: 2q23.3.
Variant type: single nucleotide variant.
Coding change: c.195G>A on transcript NM_001164508.2 (MANE Select); coding-DNA position 195, G replaced by A.
Protein change: p.Pro65=; no amino-acid change (proline 65 retained).
Molecular consequence: synonymous variant.
Genome position (GRCh38, 1-based): chr2:151,727,790, C>T on the plus strand (G>A on the coding strand, the complement: NEB is on the minus strand). VCF-style: chr2-151727790-C-T. GRCh37 (hg19) VCF-style: chr2-152584304-C-T.
Other names: c.195G>A, p.Pro65= (NM_001164507.2, NM_001271208.2, NM_004543.5).
Identifiers: ClinVar variation 95125 (VCV000095125.25), dbSNP rs79524813, ClinGen allele CA148222.